The following is an entry in ClinVar:

NM_006361.6(HOXB13):c.530G>T (p.Gly177Val)

Gene: HOXB13 (homeobox B13; minus strand). Cytogenetic location: 17q21.32.
Variant type: single nucleotide variant.
Coding change: c.530G>T on transcript NM_006361.6 (MANE Select); coding-DNA position 530, G replaced by T.
Protein change: p.Gly177Val; replaces glycine 177 with valine.
Molecular consequence: missense variant.
Genome position (GRCh38, 1-based): chr17:48,728,064, C>A on the plus strand (G>T on the coding strand, the complement: HOXB13 is on the minus strand). VCF-style: chr17-48728064-C-A. GRCh37 (hg19) VCF-style: chr17-46805426-C-A.
Other names: short protein forms G177V.
Identifiers: ClinVar variation 825634 (VCV000825634.14), dbSNP rs777986934, ClinGen allele CA8633972.
Genomic context (GRCh38, chr17:48,728,064, plus strand): 5'-GCCTTCCAAAAGGGACCTGGTGGGTTCTGTTCTCCCTGGCAACACATCTGGCTGTTCCAG[C>A]CACCAGCGAGAGCCCAAGACTGGTAACTGTCCACAGGCAACAGGGAGTCATGTCGCGGTT-3'
Protein context (NP_006352.2, residues 167-187): DSYQSWALAG[Gly177Val]WNSQMCCQGE

ClinVar aggregate classification (germline): Uncertain significance. Review status: criteria provided, multiple submitters, no conflicts (2 of 4 stars). 2 submissions from 2 submitters: Uncertain significance (2). Last evaluated 2024-05-27.

Conditions:
Hereditary cancer-predisposing syndrome. Also called: Neoplastic Syndromes, Hereditary; Tumor predisposition; Hereditary neoplastic syndrome; Hereditary Cancer Syndrome. Identifiers: Orphanet 140162, MedGen C0027672, MeSH D009386, MONDO:0015356.

Allele frequency attached by ClinVar (database versions not stated): gnomAD exomes below 0.00001 and 0.00001; ExAC 0.00002.

Submissions (2):

Labcorp Genetics (formerly Invitae), Labcorp
Classification: Uncertain significance. Last evaluated: 2024-05-27. Review status: criteria provided, single submitter. Criteria: Invitae Variant Classification Sherloc (09022015). Collection method: clinical testing. Allele origin: germline.
Comment: This sequence change replaces glycine, which is neutral and non-polar, with valine, which is neutral and non-polar, at codon 177 of the HOXB13 protein (p.Gly177Val). This variant is present in population databases (rs777986934, gnomAD 0.006%). This variant has not been reported in the literature in individuals affected with HOXB13-related conditions. ClinVar contains an entry for this variant (Variation ID: 825634). Advanced modeling of protein sequence and biophysical properties (such as structural, functional, and spatial information, amino acid conservation, physicochemical variation, residue mobility, and thermodynamic stability) has been performed at Invitae for this missense variant, however the output from this modeling did not meet the statistical confidence thresholds required to predict the impact of this variant on HOXB13 protein function. In summary, the available evidence is currently insufficient to determine the role of this variant in disease. Therefore, it has been classified as a Variant of Uncertain Significance.

Ambry Genetics
Classification: Uncertain significance for Hereditary cancer-predisposing syndrome. Last evaluated: 2019-06-05. Review status: criteria provided, single submitter. Criteria: Ambry Variant Classification Scheme 2023. Collection method: clinical testing. Allele origin: germline.
Comment: The p.G177V variant (also known as c.530G>T), located in coding exon 1 of the HOXB13 gene, results from a G to T substitution at nucleotide position 530. The glycine at codon 177 is replaced by valine, an amino acid with dissimilar properties. This alteration was predicted to be functionally significant and damaging to the structure, stability, and function of the HOXB13 protein in a computational modeling study utilizing several in silico prediction models (Chandrasekaran G et al. Sci Rep. 2017 03;7:43830). This amino acid position is highly conserved in available vertebrate species. In addition, this alteration is predicted to be deleterious by in silico analysis. Since supporting evidence is limited at this time, the clinical significance of this alteration remains unclear.

Literature cited by the submitters: PubMed 28272408 (cited by Ambry Genetics).